The following is an entry in ClinVar:

ClinVar aggregate classification (germline): Uncertain significance. Review status: criteria provided, multiple submitters, no conflicts (2 of 4 stars). 2 submissions from 2 submitters: Uncertain significance (2). Last evaluated 2024-11-01.

Conditions:
Inborn genetic diseases. Identifiers: MedGen C0950123, MeSH D030342.

Allele frequency attached by ClinVar (database versions not stated): gnomAD exomes 0.00002; ExAC 0.00003; ESP Exome Variant Server 0.00008; gnomAD 0.00009.
gnomAD v4.1: 22 of 1,612,952 alleles (0.0014%); highest among the groups gnomAD compares: African/African-American, 0.024%; no homozygotes.

Submissions (2):

Labcorp Genetics (formerly Invitae), Labcorp
Classification: Uncertain significance. Last evaluated: 2024-11-01. Review status: criteria provided, single submitter. Criteria: Invitae Variant Classification Sherloc (09022015). Collection method: clinical testing. Allele origin: germline.
Comment: This sequence change replaces tyrosine, which is neutral and polar, with phenylalanine, which is neutral and non-polar, at codon 24 of the AIMP1 protein (p.Tyr24Phe). This variant is present in population databases (rs369840696, gnomAD 0.03%). This variant has not been reported in the literature in individuals affected with AIMP1-related conditions. ClinVar contains an entry for this variant (Variation ID: 1431757). An algorithm developed to predict the effect of missense changes on protein structure and function outputs the following: PolyPhen-2: "Benign". The phenylalanine amino acid residue is found in multiple mammalian species, which suggests that this missense change does not adversely affect protein function. In summary, the available evidence is currently insufficient to determine the role of this variant in disease. Therefore, it has been classified as a Variant of Uncertain Significance.

Ambry Genetics
Classification: Uncertain significance for Inborn genetic diseases. Last evaluated: 2021-10-12. Review status: criteria provided, single submitter. Criteria: Ambry Variant Classification Scheme 2023. Collection method: clinical testing. Allele origin: germline.

NM_001142416.2(AIMP1):c.71A>T (p.Tyr24Phe)

Gene: AIMP1 (aminoacyl tRNA synthetase complex interacting multifunctional protein 1; plus strand). Cytogenetic location: 4q24.
Variant type: single nucleotide variant.
Coding change: c.71A>T on transcript NM_001142416.2 (MANE Select); coding-DNA position 71, A replaced by T.
Protein change: p.Tyr24Phe; replaces tyrosine 24 with phenylalanine.
Molecular consequence: missense variant.
Genome position (GRCh38, 1-based): chr4:106,325,080, A>T. VCF-style: chr4-106325080-A-T. GRCh37 (hg19) VCF-style: chr4-107246237-A-T.
Other names: c.71A>T (NM_004757.3); c.71A>T, p.Tyr24Phe (NM_001142415.2, NM_004757.4); short protein forms Y24F.
Identifiers: ClinVar variation 1431757 (VCV001431757.7), dbSNP rs369840696, ClinGen allele CA3035612.